The following is an entry in ClinVar:

NM_080552.3(SLC32A1):c.1045G>A (p.Val349Met)

Gene: SLC32A1 (solute carrier family 32 member 1; plus strand). Cytogenetic location: 20q11.23.
Variant type: single nucleotide variant.
Coding change: c.1045G>A on transcript NM_080552.3 (MANE Select); coding-DNA position 1045, G replaced by A.
Protein change: p.Val349Met; replaces valine 349 with methionine.
Molecular consequence: missense variant.
Genome position (GRCh38, 1-based): chr20:38,728,106, G>A. VCF-style: chr20-38728106-G-A. GRCh37 (hg19) VCF-style: chr20-37356749-G-A.
Other names: short protein forms V349M.
Identifiers: ClinVar variation 2900759 (VCV002900759.3), dbSNP rs776361290, ClinGen allele CA9855406.

ClinVar aggregate classification (germline): Uncertain significance (1 of 4 stars; one submission).

Allele frequency attached by ClinVar (database versions not stated): gnomAD exomes below 0.00001; ExAC 0.00001; gnomAD 0.00001; TOPMed 0.00001.
gnomAD v4.1: 4 of 1,613,954 alleles (0.00025%); highest among the groups gnomAD compares: Admixed American, 0.0017%; no homozygotes.

Submission:

Labcorp Genetics (formerly Invitae), Labcorp
Classification: Uncertain significance. Last evaluated: 2023-06-01. Review status: criteria provided, single submitter. Criteria: Invitae Variant Classification Sherloc (09022015). Collection method: clinical testing. Allele origin: germline.
Comment: This sequence change replaces valine, which is neutral and non-polar, with methionine, which is neutral and non-polar, at codon 349 of the SLC32A1 protein (p.Val349Met). This variant is present in population databases (rs776361290, gnomAD 0.003%). This variant has not been reported in the literature in individuals affected with SLC32A1-related conditions. An algorithm developed to predict the effect of missense changes on protein structure and function (PolyPhen-2) suggests that this variant is likely to be disruptive. In summary, the available evidence is currently insufficient to determine the role of this variant in disease. Therefore, it has been classified as a Variant of Uncertain Significance.